The following is an entry in ClinVar:

ClinVar aggregate classification (germline): Pathogenic. Review status: criteria provided, multiple submitters, no conflicts (2 of 4 stars). 72 submissions from 65 submitters: Pathogenic (57). 15 of the submissions do not count toward it. Last evaluated 2026-07-01.

Conditions:
Hereditary persistence of fetal hemoglobin. Identifiers: MedGen C0019025, MONDO:0020989, OMIM 141749.
METHEMOGLOBINEMIA, BETA TYPE. Also called: Methemoglobinemia, beta-globin type. Identifiers: MedGen C1840779, OMIM 617971.
Malaria, susceptibility to. Identifiers: Orphanet 673, MedGen C1970028, MONDO:0021024, OMIM 611162.
Dominant beta-thalassemia. Also called: Beta-thalassemia, dominant inclusion body type. Identifiers: Orphanet 231226, Orphanet 848, MedGen C1858990, MONDO:0011381, OMIM 603902.
Beta-thalassemia HBB/LCRB. Identifiers: MedGen CN322236, MONDO:0013517, OMIM 613985.
Erythrocytosis, familial, 6. Also called: ERYTHROCYTOSIS, BETA-GLOBIN TYPE; POLYCYTHEMIA, BETA-GLOBIN TYPE. Identifiers: MedGen C4693822, MONDO:0054801, OMIM 617980.
Hb SS disease (SCD). Also called: Hemoglobin SS; Sickle cell anemia; Sickle cell disease; HbS disease; Hemoglobin S Disease; Sickling disorder due to hemoglobin S. Identifiers: Orphanet 232, Orphanet 275752, MedGen C0002895, MONDO:0011382, OMIM 603903.
Heinz body anemia. Also called: Heinz body hemolytic anemia. Identifiers: Orphanet 178330, MedGen C0700299, MONDO:0007705, OMIM 140700, HP:0005511.
alpha Thalassemia. Also called: Alpha thalassemia spectrum. Identifiers: Orphanet 846, MedGen C0002312, MONDO:0011399, OMIM 604131.
beta Thalassemia (BTHAL). Also called: Cooley's anemia; Erythroblastic anemia; Mediterranean anemia. Identifiers: Orphanet 848, MedGen C0005283, MONDO:0019402. Disease mechanism: loss of function.
Fetal hemoglobin quantitative trait locus 1 (HBFQTL1). Identifiers: Orphanet 251380, MedGen C1841621.
HBB-related disorder. Also called: HBB-related disorders; HBB-related condition. Identifiers: MedGen CN239378.
Inborn genetic diseases. Identifiers: MedGen C0950123, MeSH D030342.
Sickle cell-hemoglobin C disease. Also called: Sickle cell-hemoglobin C disease syndrome; Hemoglobin SC disease; Hemoglobin S/C. Identifiers: Orphanet 251365, MedGen C0019034, MeSH D006450, MONDO:0016669.
HEMOGLOBIN S. Identifiers: MedGen C3888302.
Malaria, resistance to. Identifiers: MedGen C2720293.

Allele frequency attached by ClinVar (database versions not stated): 1000 Genomes Project 0.02736; ExAC 0.00438; 1000 Genomes Project 30x 0.02873; gnomAD exomes 0.00348; gnomAD 0.01298 and 0.01288.
gnomAD v4.1: 4,272 of 1,610,650 alleles (0.27%); highest among the groups gnomAD compares: African/African-American, 4.9%; 40 homozygotes.

Submissions 1 to 7 of 72:

CeGaT Center for Human Genetics Tuebingen
Classification: Pathogenic. Last evaluated: 2026-07-01. Review status: criteria provided, single submitter. Criteria: CeGaT Center For Human Genetics Tuebingen Variant Classification Criteria Version 2. Collection method: clinical testing. Allele origin: germline. Affected: yes. Observed: 14 variant alleles.
Comment: HBB: PM3:Very Strong, PS3:Moderate, PM2:Supporting, PP4, BP4

PreventionGenetics, part of Exact Sciences
Classification: Pathogenic for HBB-related condition. Last evaluated: 2026-03-19. Review status: criteria provided, single submitter. Criteria: ACMG Guidelines, 2015. Collection method: clinical testing. Allele origin: germline.
Comment: The HBB c.20A>T variant is predicted to result in the amino acid substitution p.Glu7Val. This variant, also referred to as p.Glu6Val using legacy nomenclature, has previously been reported to be causative for sickle cell anemia when present in the homozygous state (reported as Hb S in Figure 4, Engelke et al. 1988. PubMed ID: 3267215; Bender et al. 2017. PubMed ID: 20301551). Individuals heterozygous for this variant have sickle cell trait and are usually asymptomatic but can be at risk for complications, including exertional rhabdomyolysis, pulmonary emboli, and sudden death with extreme exertion (Key and Derebail. 2010. PubMed ID: 21239829; Bender et al. 2023. PubMed ID: 20301551). This variant is reported in 4.5% of alleles in individuals of African descent in gnomAD. We interpret this variant as pathogenic.

Department of Molecular Genetics, Istishari Arab Hospital
Classification: Pathogenic for Hb SS disease. Last evaluated: 2026-02-26. Review status: criteria provided, single submitter. Criteria: ACMG Guidelines, 2015. Collection method: clinical testing. Allele origin: germline. Inheritance: Autosomal recessive inheritance. Affected: yes.
Comment: The HBB variant c.20A>T, p.Glu7Val creates an amino acid change from Glu to Val at position 7. The variant is observed in the gnomAD v4.1.0 dataset (total allele frequency: <0.265%). This variant is the most prevalent genotype associated with sickle cell disease (PMID: The HBB variant c.20A>T, p.Glu7Val creates an amino acid change from Glu to Val at position 7. The variant is observed in the gnomAD v4.1.0 dataset (total allele frequency: <0.265%). This variant is the most prevalent genotype associated with sickle cell disease (PMID: 25203083 12124399‚ 1802884‚ 19460936‚ 2296310‚ 23591685‚ 25023084‚ 25023085‚ 28356267‚ 29542687‚ 3267215). It is classified as pathogenic according to the recommendations of ACMG/AMP/ClinGen SVI guidelines. ). Different missense changes at the same codon (p.Glu7Ala, p.Glu7Gln, p.Glu7Lys, p.Glu7Met) have been reported as pathogenic/likely pathogenic with strong evidence (PMID: 19460936, 6129204, 8294201). It is classified as pathogenic according to the recommendations of ACMG/AMP/ClinGen SVI guidelines.

OLLIN Analises Genomicas, OLLIN
Classification: Pathogenic for Hb SS disease. Last evaluated: 2026-02-13. Review status: criteria provided, single submitter. Criteria: ACMG Guidelines 2015 PMID 25741868. Collection method: clinical testing. Allele origin: germline. Observed: 1 variant allele.
Comment: PS1, PS4, PS3,PM3_VS, PM5

Labcorp Genetics (formerly Invitae), Labcorp
Classification: Pathogenic. Last evaluated: 2026-02-04. Review status: criteria provided, single submitter. Criteria: Invitae Variant Classification Sherloc (09022015). Collection method: clinical testing. Allele origin: germline.
Comment: This sequence change replaces glutamic acid, which is acidic and polar, with valine, which is neutral and non-polar, at codon 7 of the HBB protein (p.Glu7Val). This variant is present in population databases (rs334, gnomAD 5%), and has an allele count higher than expected for a pathogenic variant. This missense change has been observed in individuals with sickle cell disease (PMID: 19758965, 20301551, 20861612, 26372199). This variant is also known as p.Glu6Val and HbS. ClinVar contains an entry for this variant (Variation ID: 15333). Invitae Evidence Modeling of protein sequence and biophysical properties (such as structural, functional, and spatial information, amino acid conservation, physicochemical variation, residue mobility, and thermodynamic stability) has been performed for this missense variant. However, the output from this modeling did not meet the statistical confidence thresholds required to predict the impact of this variant on HBB protein function. Experimental studies have shown that this missense change affects HBB function (PMID: 1802884, 12124399, 28356267). For these reasons, this variant has been classified as Pathogenic.

3billion
Classification: Pathogenic for Hb SS disease. Last evaluated: 2026-01-22. Review status: criteria provided, single submitter. Criteria: ACMG Guidelines, 2015. Collection method: clinical testing. Allele origin: germline. Affected: yes.
Comment: The variant is observed in the gnomAD v4.1.0 dataset (total allele frequency: 0.265%). Predicted Consequence/Location: Missense variant Functional studies provide strong evidence of the variant having a damaging effect on the gene or gene product (PMID: 12124399, 1802884, 2296310, 28356267). The same nucleotide change resulting in the same amino acid change has been previously reported as pathogenic/likely pathogenic with strong evidence (ClinVar ID: VCV000015333 /PMID: 3267215 /3billion dataset). The variant has been observed in multiple (>3) similarly affected unrelated individuals (PMID: 25023084, 25023085, 25203083). The variant has been reported to be in trans with a pathogenic variant as either compound heterozygous or homozygous in at least one similarly affected unrelated individual (PMID: 23591685, 29542687). Different missense changes at the same codon (p.Glu7Ala, p.Glu7Gln, p.Glu7Lys, p.Glu7Met) have been reported as pathogenic/likely pathogenic with strong evidence (ClinVar ID: VCV000015126, VCV000036301 /PMID: 19460936, 6129204, 8294201 /3billion dataset). Therefore, this variant is classified as Pathogenic according to the recommendation of ACMG/AMP guideline.

Rady Children's Institute for Genomic Medicine, Rady Children's Hospital San Diego
Classification: Pathogenic for Sickle cell anemia. Last evaluated: 2025-12-26. Review status: criteria provided, single submitter. Criteria: ACMG Guidelines, 2015. Collection method: clinical testing. Allele origin: germline. Affected: yes.
Comment: This variant is also referred to as p.Glu6Val or the hemoglobin S allele (HbS) in the literature. Missense variation is an established mechanism of disease for HBB-related disorders (PMID: 20301599, 20301551). The c.20A>T (p.Glu7Val) variant affects a weakly conserved amino acid and in silico tools used to predict the effect of this variant on protein function yield discordant results. This is a known Pathogenic variant that causes sickle cell disease when present in homozygosity, but can result in HbS/beta-thalassemia when in compound heterozygosity with other HBB variants (PMID: 20301551, 25203083, 21302591, 34334128, 14084634, 26041415). Different amino acid changes at the same residue (p.Glu7Lys, p.Glu7Gln, p.Glu7Ala) have been previously reported in individuals with HBB-related disorders (PMID: 19460936, 38708170, 6129204, 27117572). Functional analyses demonstrated that this variant reduces protein stability and causes hemoglobin polymerization that results in sickle-shaped red blood cells (PMID: 2888754, 12124399, 28356267, 1802884). The c.20A>T (p.Glu7Val) variant is present in the latest version of the gnomAD population database at an allele frequency of 0.27% (4272/1610650), including 40 homozygous individuals. Based on the available evidence, c.20A>T (p.Glu7Val) is classified as Pathogenic.

NM_000518.5(HBB):c.20A>T (p.Glu7Val)

Genes: HBB (hemoglobin subunit beta; minus strand), LOC106099062 (HBB recombination region; plus strand), LOC107133510 (origin of replication at HBB; plus strand). Cytogenetic location: 11p15.4.
Variant type: single nucleotide variant.
Coding change: c.20A>T on transcript NM_000518.5 (MANE Select); coding-DNA position 20, A replaced by T.
Protein change: p.Glu7Val; replaces glutamic acid 7 with valine.
Molecular consequence: missense variant.
Genome position (GRCh38, 1-based): chr11:5,227,002, T>A on the plus strand (A>T on the coding strand, the complement: HBB is on the minus strand). VCF-style: chr11-5227002-T-A. GRCh37 (hg19) VCF-style: chr11-5248232-T-A.
Other names: E6V; HbS; short protein forms E7V.
Identifiers: ClinVar variation 15333 (VCV000015333.185), dbSNP rs334, ClinGen allele CA125138.